The following is an entry in ClinVar:

ClinVar aggregate classification (germline): Uncertain significance (1 of 4 stars; one submission).

Conditions:
Congenital hyperammonemia, type I. Also called: CPS I DEFICIENCY; Carbamoyl phosphate synthetase I deficiency disease; Carbamoyl phosphate synthetase 1 deficiency; Hyperammonemia due to carbamoyl phosphate synthetase 1 deficiency; CPS 1 deficiency; Carbamyl phosphate synthetase (CPS) deficiency. Identifiers: Orphanet 147, MedGen C4082171, MONDO:0009376, OMIM 237300.

Submission:

Labcorp Genetics (formerly Invitae), Labcorp
Classification: Uncertain significance for Congenital hyperammonemia, type I. Last evaluated: 2023-08-09. Review status: criteria provided, single submitter. Criteria: Invitae Variant Classification Sherloc (09022015). Collection method: clinical testing. Allele origin: germline.
Comment: In summary, the available evidence is currently insufficient to determine the role of this variant in disease. Therefore, it has been classified as a Variant of Uncertain Significance. Advanced modeling of protein sequence and biophysical properties (such as structural, functional, and spatial information, amino acid conservation, physicochemical variation, residue mobility, and thermodynamic stability) has been performed at Invitae for this missense variant, however the output from this modeling did not meet the statistical confidence thresholds required to predict the impact of this variant on CPS1 protein function. This variant has not been reported in the literature in individuals affected with CPS1-related conditions. This variant is not present in population databases (gnomAD no frequency). This sequence change replaces glycine, which is neutral and non-polar, with aspartic acid, which is acidic and polar, at codon 432 of the CPS1 protein (p.Gly432Asp).

NM_001875.5(CPS1):c.1295G>A (p.Gly432Asp)

Gene: CPS1 (carbamoyl-phosphate synthase 1; plus strand). Cytogenetic location: 2q34.
Variant type: single nucleotide variant.
Coding change: c.1295G>A on transcript NM_001875.5 (MANE Select); coding-DNA position 1295, G replaced by A.
Protein change: p.Gly432Asp; replaces glycine 432 with aspartic acid.
Molecular consequence: missense variant. On other transcripts: non-coding transcript variant (2).
Genome position (GRCh38, 1-based): chr2:210,595,518, G>A. VCF-style: chr2-210595518-G-A. GRCh37 (hg19) VCF-style: chr2-211460242-G-A.
Other names: c.1295G>A, p.Gly432Asp (NM_001122633.3, NM_001369257.1); c.1328G>A, p.Gly443Asp (NM_001369256.1); short protein forms G443D, G432D.
Identifiers: ClinVar variation 3012635 (VCV003012635.3), dbSNP rs2469136316, ClinGen allele CA350433066.